The following is an entry in ClinVar:

NM_032119.4(ADGRV1):c.14818A>G (p.Asn4940Asp)

Gene: ADGRV1 (adhesion G protein-coupled receptor V1; plus strand). Cytogenetic location: 5q14.3.
Variant type: single nucleotide variant.
Coding change: c.14818A>G on transcript NM_032119.4 (MANE Select); coding-DNA position 14818, A replaced by G.
Protein change: p.Asn4940Asp; replaces asparagine 4940 with aspartic acid.
Molecular consequence: missense variant. On other transcripts: non-coding transcript variant (1).
Genome position (GRCh38, 1-based): chr5:90,805,440, A>G. VCF-style: chr5-90805440-A-G. GRCh37 (hg19) VCF-style: chr5-90101257-A-G.
Other names: short protein forms N4940D.
Identifiers: ClinVar variation 1512928 (VCV001512928.6), dbSNP rs926833104, ClinGen allele CA122818454.
Genomic context (GRCh38, chr5:90,805,440, plus strand): 5'-GTTGCCTGGACCACTGGATATGCTCCTGGGTTAGAAATTCCTGAATTCATTGTTGTTGGC[A>G]ACATGACCCCAACACTGGGTGAGTTGTAGTTTTTCTAAGATGAGTCCTGTAGAATATTGG-3'
Protein context (NP_115495.3, residues 4930-4950): LEIPEFIVVG[Asn4940Asp]MTPTLGSLSF

ClinVar aggregate classification (germline): Uncertain significance (1 of 4 stars; one submission).

gnomAD v4.1: 1 of 1,590,484 alleles (0.000063%); no homozygotes.

Submission:

Labcorp Genetics (formerly Invitae), Labcorp
Classification: Uncertain significance. Last evaluated: 2022-08-22. Review status: criteria provided, single submitter. Criteria: Invitae Variant Classification Sherloc (09022015). Collection method: clinical testing. Allele origin: germline.
Comment: This variant is not present in population databases (gnomAD no frequency). This sequence change replaces asparagine, which is neutral and polar, with aspartic acid, which is acidic and polar, at codon 4940 of the ADGRV1 protein (p.Asn4940Asp). This variant has not been reported in the literature in individuals affected with ADGRV1-related conditions. ClinVar contains an entry for this variant (Variation ID: 1512928). Algorithms developed to predict the effect of missense changes on protein structure and function output the following: SIFT: "Tolerated"; PolyPhen-2: "Possibly Damaging"; Align-GVGD: "Class C0". The aspartic acid amino acid residue is found in multiple mammalian species, which suggests that this missense change does not adversely affect protein function. In summary, the available evidence is currently insufficient to determine the role of this variant in disease. Therefore, it has been classified as a Variant of Uncertain Significance.